The following is an entry in ClinVar:

ClinVar aggregate classification (germline): Uncertain significance (1 of 4 stars; one submission).

Allele frequency attached by ClinVar (database versions not stated): gnomAD exomes 0.00001; TOPMed 0.00001; ExAC 0.00002.
gnomAD v4.1: 4 of 1,614,094 alleles (0.00025%); highest among the groups gnomAD compares: Admixed American, 0.0017%; no homozygotes.

Submission:

Labcorp Genetics (formerly Invitae), Labcorp
Classification: Uncertain significance. Last evaluated: 2023-08-19. Review status: criteria provided, single submitter. Criteria: Invitae Variant Classification Sherloc (09022015). Collection method: clinical testing. Allele origin: germline.
Comment: In summary, the available evidence is currently insufficient to determine the role of this variant in disease. Therefore, it has been classified as a Variant of Uncertain Significance. Algorithms developed to predict the effect of missense changes on protein structure and function output the following: SIFT: "Not Available"; PolyPhen-2: "Benign"; Align-GVGD: "Not Available". The methionine amino acid residue is found in multiple mammalian species, which suggests that this missense change does not adversely affect protein function. ClinVar contains an entry for this variant (Variation ID: 1018527). This variant has not been reported in the literature in individuals affected with CAPN5-related conditions. This variant is present in population databases (rs782594005, gnomAD 0.003%). This sequence change replaces valine, which is neutral and non-polar, with methionine, which is neutral and non-polar, at codon 5 of the CAPN5 protein (p.Val5Met).

NM_004055.5(CAPN5):c.13G>A (p.Val5Met)

Gene: CAPN5 (calpain 5; plus strand). Cytogenetic location: 11q13.5.
Variant type: single nucleotide variant.
Coding change: c.13G>A on transcript NM_004055.5 (MANE Select); coding-DNA position 13, G replaced by A.
Protein change: p.Val5Met; replaces valine 5 with methionine.
Molecular consequence: missense variant.
Genome position (GRCh38, 1-based): chr11:77,084,899, G>A. VCF-style: chr11-77084899-G-A. GRCh37 (hg19) VCF-style: chr11-76795945-G-A.
Other names: short protein forms V5M.
Identifiers: ClinVar variation 1018527 (VCV001018527.8), dbSNP rs782594005, ClinGen allele CA6196065.